The following is an entry in ClinVar:

ClinVar aggregate classification (germline): Uncertain significance. Review status: criteria provided, multiple submitters, no conflicts (2 of 4 stars). 2 submissions from 2 submitters: Uncertain significance (2). Last evaluated 2023-11-17.

Conditions:
Fetal akinesia deformation sequence 1 (FADS1). Also called: Pena-Shokeir syndrome type I; Fetal akinesia sequence. Identifiers: Orphanet 994, MedGen C1276035, MONDO:0100101, OMIM 208150, HP:0001989.
Congenital myasthenic syndrome 9. Also called: Myasthenic syndrome, congenital, 9, associated with acetylcholine receptor deficiency. Identifiers: Orphanet 590, MedGen C4225368, MONDO:0014587, OMIM 616325.

Allele frequency attached by ClinVar (database versions not stated): gnomAD exomes below 0.00001.
gnomAD v4.1: 1 of 1,613,526 alleles (0.000062%); highest among the groups gnomAD compares: Non-Finnish European, 0.000085%; no homozygotes.

Submissions (2):

Women's Health and Genetics/Laboratory Corporation of America, LabCorp
Classification: Uncertain significance. Last evaluated: 2023-11-17. Review status: criteria provided, single submitter. Criteria: LabCorp Variant Classification Summary - May 2015. Collection method: clinical testing. Allele origin: germline.
Comment: Variant summary: MUSK c.1235T>C (p.Val412Ala) results in a non-conservative amino acid change located in the Frizzled domain (IPR020067) of the encoded protein sequence. Four of five in-silico tools predict a benign effect of the variant on protein function. The frequency data for this variant in gnomAD is considered unreliable, as metrics indicate poor data quality at this position. To our knowledge, no occurrence of c.1235T>C in individuals affected with MUSK-Related Disorders and no experimental evidence demonstrating its impact on protein function have been reported. One submitter has cited clinical-significance assessments for this variant to ClinVar after 2014 and has classified the variant as uncertain significance. Based on the evidence outlined above, the variant was classified as uncertain significance.

Labcorp Genetics (formerly Invitae), Labcorp
Classification: Uncertain significance for Congenital myasthenic syndrome 9; Fetal akinesia deformation sequence 1. Last evaluated: 2022-08-05. Review status: criteria provided, single submitter. Criteria: Invitae Variant Classification Sherloc (09022015). Collection method: clinical testing. Allele origin: germline.
Comment: In summary, the available evidence is currently insufficient to determine the role of this variant in disease. Therefore, it has been classified as a Variant of Uncertain Significance. Advanced modeling of protein sequence and biophysical properties (such as structural, functional, and spatial information, amino acid conservation, physicochemical variation, residue mobility, and thermodynamic stability) performed at Invitae indicates that this missense variant is not expected to disrupt MUSK protein function. This variant has not been reported in the literature in individuals affected with MUSK-related conditions. This variant is not present in population databases (gnomAD no frequency). This sequence change replaces valine, which is neutral and non-polar, with alanine, which is neutral and non-polar, at codon 412 of the MUSK protein (p.Val412Ala).

NM_005592.4(MUSK):c.1235T>C (p.Val412Ala)

Gene: MUSK (muscle associated receptor tyrosine kinase; plus strand). Cytogenetic location: 9q31.3.
Variant type: single nucleotide variant.
Coding change: c.1235T>C on transcript NM_005592.4 (MANE Select); coding-DNA position 1235, T replaced by C.
Protein change: p.Val412Ala; replaces valine 412 with alanine.
Molecular consequence: missense variant. On other transcripts: 5 prime UTR variant (1).
Genome position (GRCh38, 1-based): chr9:110,775,838, T>C. VCF-style: chr9-110775838-T-C. GRCh37 (hg19) VCF-style: chr9-113538118-T-C.
Other names: c.1001T>C, p.Val334Ala (NM_001166280.2); c.971T>C, p.Val324Ala (NM_001166281.2); c.-2T>C (NM_001369398.1); short protein forms V324A, V334A, V412A.
Identifiers: ClinVar variation 2170956 (VCV002170956.3), dbSNP rs755376495, ClinGen allele CA374472968.